The following is an entry in ClinVar:

NM_017617.5(NOTCH1):c.5609A>C (p.Asp1870Ala)

Gene: NOTCH1 (notch receptor 1; minus strand). Cytogenetic location: 9q34.3.
Variant type: single nucleotide variant.
Coding change: c.5609A>C on transcript NM_017617.5 (MANE Select); coding-DNA position 5609, A replaced by C.
Protein change: p.Asp1870Ala; replaces aspartic acid 1870 with alanine.
Molecular consequence: missense variant.
Genome position (GRCh38, 1-based): chr9:136,501,777, T>G on the plus strand (A>C on the coding strand, the complement: NOTCH1 is on the minus strand). VCF-style: chr9-136501777-T-G. GRCh37 (hg19) VCF-style: chr9-139396229-T-G.
Other names: short protein forms D1870A.
Identifiers: ClinVar variation 3673242 (VCV003673242.2).

ClinVar aggregate classification (germline): Uncertain significance (1 of 4 stars; one submission).

Conditions:
Adams-Oliver syndrome 5 (AOS5). Identifiers: Orphanet 974, MedGen C4014970, MONDO:0014459, OMIM 616028.

gnomAD v4.1: 9 of 1,612,492 alleles (0.00056%); highest among the groups gnomAD compares: Non-Finnish European, 0.00068%; no homozygotes.

Submission:

Labcorp Genetics (formerly Invitae), Labcorp
Classification: Uncertain significance for Adams-Oliver syndrome 5. Last evaluated: 2024-09-15. Review status: criteria provided, single submitter. Criteria: Invitae Variant Classification Sherloc (09022015). Collection method: clinical testing. Allele origin: germline.
Comment: This sequence change replaces aspartic acid, which is acidic and polar, with alanine, which is neutral and non-polar, at codon 1870 of the NOTCH1 protein (p.Asp1870Ala). This variant is not present in population databases (gnomAD no frequency). This variant has not been reported in the literature in individuals affected with NOTCH1-related conditions. Invitae Evidence Modeling of protein sequence and biophysical properties (such as structural, functional, and spatial information, amino acid conservation, physicochemical variation, residue mobility, and thermodynamic stability) indicates that this missense variant is not expected to disrupt NOTCH1 protein function with a negative predictive value of 80%. In summary, the available evidence is currently insufficient to determine the role of this variant in disease. Therefore, it has been classified as a Variant of Uncertain Significance.